The following is an entry in ClinVar:

NM_006014.5(LAGE3):c.29G>A (p.Gly10Glu)

Genes: LAGE3 (L antigen family member 3; minus strand), LOC130068876 (ATAC-STARR-seq lymphoblastoid silent region 21109; plus strand). Cytogenetic location: Xq28.
Variant type: single nucleotide variant.
Coding change: c.29G>A on transcript NM_006014.5 (MANE Select); coding-DNA position 29, G replaced by A.
Protein change: p.Gly10Glu; replaces glycine 10 with glutamic acid.
Molecular consequence: missense variant.
Genome position (GRCh38, 1-based): chrX:154,478,887, C>T on the plus strand (G>A on the coding strand, the complement: LAGE3 is on the minus strand). VCF-style: chrX-154478887-C-T. GRCh37 (hg19) VCF-style: chrX-153707226-C-T.
Other names: c.29G>A (NM_006014.4); short protein forms G10E.
Identifiers: ClinVar variation 1319855 (VCV001319855.10), dbSNP rs782019621, ClinGen allele CA10565296.

ClinVar aggregate classification (germline): Conflicting classifications of pathogenicity. Review status: criteria provided, conflicting classifications (1 of 4 stars). 6 submissions from 6 submitters: Uncertain significance (5); Likely benign (1). Last evaluated 2025-05-05.

Conditions:
Galloway-Mowat syndrome 2, X-linked. Identifiers: MedGen C4538784, MONDO:0033006, OMIM 301006.

Allele frequency attached by ClinVar (database versions not stated): gnomAD 0.00006 and 0.00014; TOPMed 0.00009; gnomAD exomes 0.00011; 1000 Genomes Project 30x 0.00042; 1000 Genomes Project 0.00053.
gnomAD v4.1: 123 of 1,002,724 alleles (0.012%); highest among the groups gnomAD compares: South Asian, 0.31%; no homozygotes.

Submissions (6):

Women's Health and Genetics/Laboratory Corporation of America, LabCorp
Classification: Likely benign. Last evaluated: 2025-05-05. Review status: criteria provided, single submitter. Criteria: LabCorp Variant Classification Summary - May 2015. Collection method: clinical testing. Allele origin: germline.
Comment: Variant summary: LAGE3 c.29G>A (p.Gly10Glu) results in a non-conservative amino acid change in the encoded protein sequence. Algorithms developed to predict the effect of missense changes on protein structure and function are either unavailable or do not agree on the potential impact of this missense change. The variant allele was found at a frequency of 0.00012 in 999509 control chromosomes, predominantly at a frequency of 0.0031 within the South Asian subpopulation in the gnomAD database (v4.1 dataset). The observed variant frequency within South Asian control individuals in the gnomAD database exceeds the estimated maximal expected allele frequency for a pathogenic variant in LAGE3 causing Galloway-Mowat Syndrome 2, X-Linked phenotype. To our knowledge, no occurrence of c.29G>A in individuals affected with Galloway-Mowat Syndrome 2, X-Linked and no experimental evidence demonstrating its impact on protein function have been reported. ClinVar contains an entry for this variant (Variation ID: 1319855). Based on the evidence outlined above, the variant was classified as likely benign.

Labcorp Genetics (formerly Invitae), Labcorp
Classification: Uncertain significance. Last evaluated: 2024-12-07. Review status: criteria provided, single submitter. Criteria: Invitae Variant Classification Sherloc (09022015). Collection method: clinical testing. Allele origin: germline.
Comment: This sequence change replaces glycine, which is neutral and non-polar, with glutamic acid, which is acidic and polar, at codon 10 of the LAGE3 protein (p.Gly10Glu). This variant is present in population databases (rs782019621, gnomAD 0.02%). This variant has not been reported in the literature in individuals affected with LAGE3-related conditions. ClinVar contains an entry for this variant (Variation ID: 1319855). Experimental studies and prediction algorithms are not available or were not evaluated, and the functional significance of this variant is currently unknown. In summary, the available evidence is currently insufficient to determine the role of this variant in disease. Therefore, it has been classified as a Variant of Uncertain Significance.

Blueprint Genetics
Classification: Uncertain significance. Last evaluated: 2024-08-17. Review status: criteria provided, single submitter. Criteria: ACMG Guidelines, 2015. Collection method: clinical testing. Allele origin: germline.

Ambry Genetics
Classification: Uncertain significance. Last evaluated: 2024-07-05. Review status: criteria provided, single submitter. Criteria: Ambry Variant Classification Scheme 2023. Collection method: clinical testing. Allele origin: germline.

Revvity Omics, Revvity
Classification: Uncertain significance for Galloway-Mowat syndrome 2, X-linked. Last evaluated: 2022-03-14. Review status: criteria provided, single submitter. Criteria: ACMG Guidelines, 2015. Collection method: clinical testing. Allele origin: germline.

Institute for Clinical Genetics, University Hospital TU Dresden, University Hospital TU Dresden
Classification: Uncertain significance. Last evaluated: 2021-11-03. Review status: criteria provided, single submitter. Criteria: ACMG Guidelines, 2015. Collection method: clinical testing. Allele origin: germline.